The following is an entry in ClinVar:

NM_000186.4(CFH):c.3264A>C (p.Glu1088Asp)

Gene: CFH (complement factor H; plus strand). Cytogenetic location: 1q31.3.
Variant type: single nucleotide variant.
Coding change: c.3264A>C on transcript NM_000186.4 (MANE Select); coding-DNA position 3264, A replaced by C.
Protein change: p.Glu1088Asp; replaces glutamic acid 1088 with aspartic acid.
Molecular consequence: missense variant.
Genome position (GRCh38, 1-based): chr1:196,743,582, A>C. VCF-style: chr1-196743582-A-C. GRCh37 (hg19) VCF-style: chr1-196712712-A-C.
Other names: short protein forms E1088D.
Identifiers: ClinVar variation 4291549 (VCV004291549.1).

ClinVar aggregate classification (germline): Uncertain significance (1 of 4 stars; one submission).

Conditions:
Atypical hemolytic-uremic syndrome. Identifiers: Orphanet 2134, MedGen C2931788, MONDO:0016244.

Submission:

Genomenon, Inc
Classification: Uncertain significance for Atypical hemolytic-uremic syndrome. Last evaluated: 2025-10-02. Review status: criteria provided, single submitter. Criteria: Genomenon Sequence Variant Interpretation Standards - Updated. Collection method: curation. Allele origin: germline. Affected: yes.
Comment: CFH p.Glu1088Asp (c.3264A>C) is a missense variant that changes the amino acid at residue 1088 from Glutamic acid to Aspartic acid. This variant has been observed in at least one proband affected with atypical hemolytic-uremic syndrome (PMID:30916388). Functional studies have been reported (PMID:34189567). It is absent or not present at a significant frequency in gnomAD. In silico models agree that this variant is not damaging. In conclusion, we classify CFH p.Glu1088Asp (c.3264A>C) as a variant of uncertain significance.

Literature cited by the submitters: PubMed 30916388; PubMed 34189567.